The following is an entry in ClinVar:

NM_000137.4(FAH):c.22G>T (p.Glu8Ter)

Gene: FAH (fumarylacetoacetate hydrolase; plus strand). Cytogenetic location: 15q25.1.
Variant type: single nucleotide variant.
Coding change: c.22G>T on transcript NM_000137.4 (MANE Select); coding-DNA position 22, G replaced by T.
Protein change: p.Glu8Ter; replaces glutamic acid 8 with a stop codon.
Molecular consequence: nonsense.
Genome position (GRCh38, 1-based): chr15:80,153,076, G>T. VCF-style: chr15-80153076-G-T. GRCh37 (hg19) VCF-style: chr15-80445418-G-T.
Other names: c.22G>T, p.Glu8Ter (NM_001374377.1, NM_001374380.1); short protein forms E8*.
Identifiers: ClinVar variation 4817557 (VCV004817557.2).

ClinVar aggregate classification (germline): Likely pathogenic (1 of 4 stars; one submission).

Conditions:
Tyrosinemia type I (TYRSN1). Also called: HEPATORENAL TYROSINEMIA; Tyrosinemia type 1; Fumarylacetoacetase deficiency; Deficiency of fumarylacetoacetase; FAH DEFICIENCY. Identifiers: Orphanet 882, MedGen C0268490, MONDO:0010161, OMIM 276700. Disease mechanism: loss of function.

gnomAD v4.1: 2 of 1,613,842 alleles (0.00012%); highest among the groups gnomAD compares: Non-Finnish European, 0.00017%; no homozygotes.

Submission:

Natera, Inc.
Classification: Likely pathogenic for Tyrosinemia type I. Last evaluated: 2024-12-19. Review status: criteria provided, single submitter. Criteria: Natera Variant Classification Schema (03/2026). Collection method: clinical testing. Allele origin: germline.
Comment: The c.22G>T variant in FAH is a nonsense variant predicted to introduce a stop codon at amino acid 8. This variant is expected to result in nonsense mediated decay, truncation, or a dysfunctional protein product. This variant is rare in the general population with a frequency below the threshold expected for the associated phenotype(s). Given the available evidence, this variant is classified as Likely Pathogenic.